The following is an entry in ClinVar:

ClinVar aggregate classification (germline): Uncertain significance. Review status: criteria provided, multiple submitters, no conflicts (2 of 4 stars). 2 submissions from 2 submitters: Uncertain significance (2). Last evaluated 2026-08-06.

Conditions:
Charcot-Marie-Tooth disease axonal type 2V. Also called: CHARCOT-MARIE-TOOTH NEUROPATHY, TYPE 2V; CHARCOT-MARIE-TOOTH DISEASE, AXONAL, AUTOSOMAL DOMINANT, TYPE 2V. Identifiers: Orphanet 447964, MedGen C5569050, MONDO:0014665, OMIM 616491.
Mucopolysaccharidosis, MPS-III-B (MPS3B). Also called: N-ACETYL-ALPHA-D-GLUCOSAMINIDASE DEFICIENCY; NAGLU DEFICIENCY; SANFILIPPO SYNDROME B; MPS III B; MUCOPOLYSACCHARIDOSIS, TYPE IIIB; MPS IIIB (Sanfilippo Syndrome Type B). Identifiers: Orphanet 79270, MedGen C0086648, MONDO:0009656, OMIM 252920.

Allele frequency attached by ClinVar (database versions not stated): TOPMed 0.00001.

Submissions (2):

OLLIN Analises Genomicas, OLLIN
Classification: Uncertain significance for Mucopolysaccharidosis, MPS-III-B. Last evaluated: 2026-08-06. Review status: criteria provided, single submitter. Criteria: ACMG Guidelines 2015 PMID 25741868. Collection method: clinical testing. Allele origin: germline.
Comment: This missense variant, located in exon 2 (of 6), is absent from gnomAD and has not been identified in the literature. However, it has been reported in ClinVar (accession VCV002144772.1). In silico analysis predicts that this variant has a deleterious effect. This variant is located in a region considered to be a mutational hotspot. According to the currently available evidence, this variant has been classified as uncertain significance (PM1, PM2_P, PP3).

Labcorp Genetics (formerly Invitae), Labcorp
Classification: Uncertain significance for Charcot-Marie-Tooth disease axonal type 2V; Mucopolysaccharidosis, MPS-III-B. Last evaluated: 2022-06-14. Review status: criteria provided, single submitter. Criteria: Invitae Variant Classification Sherloc (09022015). Collection method: clinical testing. Allele origin: germline.
Comment: This sequence change replaces glutamic acid, which is acidic and polar, with aspartic acid, which is acidic and polar, at codon 151 of the NAGLU protein (p.Glu151Asp). This variant is not present in population databases (gnomAD no frequency). This variant has not been reported in the literature in individuals affected with NAGLU-related conditions. Advanced modeling of protein sequence and biophysical properties (such as structural, functional, and spatial information, amino acid conservation, physicochemical variation, residue mobility, and thermodynamic stability) performed at Invitae indicates that this missense variant is expected to disrupt NAGLU protein function. In summary, the available evidence is currently insufficient to determine the role of this variant in disease. Therefore, it has been classified as a Variant of Uncertain Significance.

NM_000263.4(NAGLU):c.453G>T (p.Glu151Asp)

Gene: NAGLU (N-acetyl-alpha-glucosaminidase; plus strand). Cytogenetic location: 17q21.2.
Variant type: single nucleotide variant.
Coding change: c.453G>T on transcript NM_000263.4 (MANE Select); coding-DNA position 453, G replaced by T.
Protein change: p.Glu151Asp; replaces glutamic acid 151 with aspartic acid.
Molecular consequence: missense variant.
Genome position (GRCh38, 1-based): chr17:42,537,467, G>T. VCF-style: chr17-42537467-G-T. GRCh37 (hg19) VCF-style: chr17-40689485-G-T.
Other names: short protein forms E151D.
Identifiers: ClinVar variation 2144772 (VCV002144772.2), dbSNP rs1042897382, ClinGen allele CA290772350.